The following is an entry in ClinVar:

NM_001127898.4(CLCN5):c.344G>A (p.Trp115Ter)

Gene: CLCN5 (Cl-/H+ antiporter 5; plus strand). Cytogenetic location: Xp11.23.
Variant type: single nucleotide variant.
Coding change: c.344G>A on transcript NM_001127898.4 (MANE Select); coding-DNA position 344, G replaced by A.
Protein change: p.Trp115Ter; replaces tryptophan 115 with a stop codon.
Molecular consequence: nonsense.
Genome position (GRCh38, 1-based): chrX:50,072,517, G>A. VCF-style: chrX-50072517-G-A. GRCh37 (hg19) VCF-style: chrX-49837172-G-A.
Other names: c.134G>A, p.Trp45Ter (NM_000084.5); c.344G>A, p.Trp115Ter (NM_001127899.4); c.194G>A, p.Trp65Ter (NM_001282163.2); short protein forms W115*, W45*, W65*.
Identifiers: ClinVar variation 560969 (VCV000560969.2), dbSNP rs1569540047, ClinGen allele CA413182267.

ClinVar aggregate classification (germline): Pathogenic (1 of 4 stars; one submission).

Conditions:
Dent disease type 1 (DENT1). Also called: NEPHROLITHIASIS 2; NEPHROLITHIASIS, HYPERCALCIURIC, X-LINKED. Identifiers: Orphanet 1652, Orphanet 93622, MedGen C1848336, MONDO:0010225, OMIM 300009.

Submission:

Baylor Genetics
Classification: Pathogenic for Dent disease type 1. Last evaluated: 2017-09-01. Review status: criteria provided, single submitter. Criteria: ACMG Guidelines, 2015. Collection method: clinical testing. Allele origin: maternal. Inheritance: X-linked inheritance. Affected: yes.

Literature cited by the submitters: PubMed 15086899; PubMed 25326635.